The following is an entry in ClinVar:

NM_000312.4(PROC):c.1297G>A (p.Gly433Ser)

Gene: PROC (protein C, inactivator of coagulation factors Va and VIIIa; plus strand). Cytogenetic location: 2q14.3.
Variant type: single nucleotide variant.
Coding change: c.1297G>A on transcript NM_000312.4 (MANE Select); coding-DNA position 1297, G replaced by A.
Protein change: p.Gly433Ser; replaces glycine 433 with serine.
Molecular consequence: missense variant.
Genome position (GRCh38, 1-based): chr2:127,428,857, G>A. VCF-style: chr2-127428857-G-A. GRCh37 (hg19) VCF-style: chr2-128186433-G-A.
Other names: c.1297G>A (NM_000312.3); c.1480G>A, p.Gly494Ser (NM_001375602.1); c.1462G>A, p.Gly488Ser (NM_001375603.1); c.1360G>A, p.Gly454Ser (NM_001375604.1); c.1399G>A, p.Gly467Ser (NM_001375605.1); c.1465G>A, p.Gly489Ser (NM_001375606.1); c.1483G>A, p.Gly495Ser (NM_001375607.1); c.1240G>A, p.Gly414Ser (NM_001375608.1); and 3 more; short protein forms G431S, G467S, G494S, G495S, G425S, G488S, G489S, G414S.
Identifiers: ClinVar variation 1403743 (VCV001403743.11), dbSNP rs1266965698, ClinGen allele CA348406609.

ClinVar aggregate classification (germline): Conflicting classifications of pathogenicity. Review status: criteria provided, conflicting classifications (1 of 4 stars). 3 submissions from 3 submitters: Pathogenic (1); Uncertain significance (2). Last evaluated 2023-11-22.

Conditions:
PROC-related disorder. Also called: PROC-related condition.
Thrombophilia due to protein C deficiency, autosomal dominant. Also called: PROC DEFICIENCY, AUTOSOMAL DOMINANT; PROTEIN C DEFICIENCY, AUTOSOMAL DOMINANT. Identifiers: Orphanet 745, MedGen C2674321, MONDO:0008316, OMIM 176860. Disease mechanism: loss of function.

Allele frequency attached by ClinVar (database versions not stated): gnomAD exomes below 0.00001; TOPMed below 0.00001.

Submissions (3):

Blueprint Genetics
Classification: Pathogenic for PROC-related disorders. Last evaluated: 2023-11-22. Review status: criteria provided, single submitter. Criteria: ACMG Guidelines, 2015. Collection method: clinical testing. Allele origin: germline. Affected: yes. Observed: 2 variant alleles.

Revvity Omics, Revvity
Classification: Uncertain significance. Last evaluated: 2023-02-01. Review status: criteria provided, single submitter. Criteria: ACMG Guidelines, 2015. Collection method: clinical testing. Allele origin: germline.

Labcorp Genetics (formerly Invitae), Labcorp
Classification: Uncertain significance for Thrombophilia due to protein C deficiency, autosomal dominant. Last evaluated: 2022-02-22. Review status: criteria provided, single submitter. Criteria: Invitae Variant Classification Sherloc (09022015). Collection method: clinical testing. Allele origin: germline.
Comment: This sequence change replaces glycine, which is neutral and non-polar, with serine, which is neutral and polar, at codon 433 of the PROC protein (p.Gly433Ser). In summary, the available evidence is currently insufficient to determine the role of this variant in disease. Therefore, it has been classified as a Variant of Uncertain Significance. Algorithms developed to predict the effect of sequence changes on RNA splicing suggest that this variant may create or strengthen a splice site. Algorithms developed to predict the effect of missense changes on protein structure and function are either unavailable or do not agree on the potential impact of this missense change (SIFT: "Deleterious"; PolyPhen-2: "Probably Damaging"; Align-GVGD: "Class C0"). This variant is also known as 8886G>A, G391S. This missense change has been observed in individual(s) with protein C deficiency disease (PMID: 7482420, 29536478; Invitae). This variant is present in population databases (no rsID available, gnomAD 0.003%).

Literature cited by the submitters: PubMed 7482420 (cited by Labcorp Genetics (formerly Invitae), Labcorp); PubMed 29536478 (cited by Labcorp Genetics (formerly Invitae), Labcorp).